The following is an entry in ClinVar:

NM_001041.4(SI):c.1211C>G (p.Ala404Gly)

Gene: SI (sucrase-isomaltase; minus strand). Cytogenetic location: 3q26.1.
Variant type: single nucleotide variant.
Coding change: c.1211C>G on transcript NM_001041.4 (MANE Select); coding-DNA position 1211, C replaced by G.
Protein change: p.Ala404Gly; replaces alanine 404 with glycine.
Molecular consequence: missense variant.
Genome position (GRCh38, 1-based): chr3:165,059,235, G>C on the plus strand (C>G on the coding strand, the complement: SI is on the minus strand). VCF-style: chr3-165059235-G-C. GRCh37 (hg19) VCF-style: chr3-164777023-G-C.
Other names: short protein forms A404G.
Identifiers: ClinVar variation 1983448 (VCV001983448.4), dbSNP rs202151060, ClinGen allele CA2691142.

ClinVar aggregate classification (germline): Uncertain significance. Review status: criteria provided, multiple submitters, no conflicts (2 of 4 stars). 2 submissions from 2 submitters: Uncertain significance (2). Last evaluated 2024-09-06.

Allele frequency attached by ClinVar (database versions not stated): gnomAD 0.00002.
gnomAD v4.1: 35 of 1,612,362 alleles (0.0022%); highest among the groups gnomAD compares: Non-Finnish European, 0.003%; no homozygotes.

Submissions (2):

Labcorp Genetics (formerly Invitae), Labcorp
Classification: Uncertain significance. Last evaluated: 2024-09-06. Review status: criteria provided, single submitter. Criteria: Invitae Variant Classification Sherloc (09022015). Collection method: clinical testing. Allele origin: germline.
Comment: This sequence change replaces alanine, which is neutral and non-polar, with glycine, which is neutral and non-polar, at codon 404 of the SI protein (p.Ala404Gly). This variant is present in population databases (rs202151060, gnomAD 0.002%). This variant has not been reported in the literature in individuals affected with SI-related conditions. ClinVar contains an entry for this variant (Variation ID: 1983448). Invitae Evidence Modeling of protein sequence and biophysical properties (such as structural, functional, and spatial information, amino acid conservation, physicochemical variation, residue mobility, and thermodynamic stability) has been performed for this missense variant. However, the output from this modeling did not meet the statistical confidence thresholds required to predict the impact of this variant on SI protein function. In summary, the available evidence is currently insufficient to determine the role of this variant in disease. Therefore, it has been classified as a Variant of Uncertain Significance.

Blueprint Genetics
Classification: Uncertain significance. Last evaluated: 2024-03-11. Review status: criteria provided, single submitter. Criteria: ACMG Guidelines, 2015. Collection method: clinical testing. Allele origin: germline.